The following is an entry in ClinVar:

NM_000492.4(CFTR):c.1475C>T (p.Ser492Phe)

Genes: CFTR (CF transmembrane conductance regulator; plus strand), CFTR-AS1 (CFTR antisense RNA 1; minus strand). Cytogenetic location: 7q31.2.
Variant type: single nucleotide variant.
Coding change: c.1475C>T on transcript NM_000492.4 (MANE Select); coding-DNA position 1475, C replaced by T.
Protein change: p.Ser492Phe; replaces serine 492 with phenylalanine.
Molecular consequence: missense variant.
Genome position (GRCh38, 1-based): chr7:117,559,546, C>T. VCF-style: chr7-117559546-C-T. GRCh37 (hg19) VCF-style: chr7-117199600-C-T.
Other names: short protein forms S492F.
Identifiers: ClinVar variation 7155 (VCV000007155.29), dbSNP rs121909017, ClinGen allele CA325551.
Genomic context (GRCh38, chr7:117,559,546, plus strand): 5'-TGGGAGAACTGGAGCCTTCAGAGGGTAAAATTAAGCACAGTGGAAGAATTTCATTCTGTT[C>T]TCAGTTTTCCTGGATTATGCCTGGCACCATTAAAGAAAATATCATCTTTGGTGTTTCCTA-3'
Protein context (NP_000483.3, residues 482-502): IKHSGRISFC[Ser492Phe]QFSWIMPGTI

ClinVar aggregate classification (germline): Pathogenic. Review status: reviewed by expert panel (3 of 4 stars). 14 submissions from 13 submitters: Pathogenic (1). 13 of the submissions do not count toward it. Last evaluated 2017-03-17.

Conditions:
CFTR-related disorder (CFTR-RD). Also called: CFTR-related condition; CFTR-related disorders. Identifiers: MedGen C5924204, MONDO:7770004.
Cystic fibrosis (CF). Also called: MUCOVISCIDOSIS. Identifiers: Orphanet 586, MedGen C0010674, MONDO:0009061, OMIM 219700. Disease mechanism: loss of function.
Congenital bilateral aplasia of vas deferens from CFTR mutation (CBAVD). Identifiers: Orphanet 48, MedGen C0403814, MONDO:0010178, OMIM 277180. Disease mechanism: loss of function.
Hereditary pancreatitis (PCTT). Also called: Hereditary chronic pancreatitis; PRSS1-Related Hereditary Pancreatitis. Identifiers: Orphanet 676, MedGen C0238339, MONDO:0008185, OMIM 167800.
Bronchiectasis with or without elevated sweat chloride 1 (BESC1). Also called: Cystic Fibrosis-Like Syndrome. Identifiers: Orphanet 60033, MedGen C2749757, MONDO:0008887, OMIM 211400.

Allele frequency attached by ClinVar (database versions not stated): gnomAD exomes below 0.00001 and 0.00001.
gnomAD v4.1: 4 of 1,611,376 alleles (0.00025%); highest among the groups gnomAD compares: Admixed American, 0.0033%; no homozygotes.

Submissions (14):

CFTR2
Classification: Pathogenic for Cystic fibrosis. Last evaluated: 2017-03-17. Review status: reviewed by expert panel. Criteria: Sosnay PR et al. (Nat Genet 2013). Collection method: research. Allele origin: germline. Affected: yes. Study: CFTR2.

Natera, Inc.
Classification: Pathogenic for CFTR-related disorders. Last evaluated: 2026-01-15. Review status: criteria provided, single submitter. Criteria: Natera Variant Classification Schema (03/2026). Collection method: clinical testing. Allele origin: germline. Not counted in ClinVar's aggregate classification.
Comment: The c.1475C>T variant in CFTR is a missense variant predicted to cause substitution of serine to phenylalanine at amino acid 492. This variant is rare in the general population with a frequency below the threshold expected for the associated phenotype(s). This variant has been observed in one or more individuals affected with the associated recessive disease, as either homozygous or compound heterozygous with a second variant (PMID: 36437230, 21097845, 27086061, 16189704). Computational prediction algorithms indicate this variant is likely to affect gene or protein function. Given the available evidence, this variant is classified as Pathogenic.

Labcorp Genetics (formerly Invitae), Labcorp
Classification: Pathogenic for Cystic fibrosis. Last evaluated: 2025-07-21. Review status: criteria provided, single submitter. Criteria: Invitae Variant Classification Sherloc (09022015). Collection method: clinical testing. Allele origin: germline. Not counted in ClinVar's aggregate classification.
Comment: This sequence change replaces serine, which is neutral and polar, with phenylalanine, which is neutral and non-polar, at codon 492 of the CFTR protein (p.Ser492Phe). This variant is present in population databases (rs121909017, gnomAD 0.003%). This missense change has been observed in individual(s) with cystic fibrosis (PMID: 15365999, 16189704, 21097845, 27086061). ClinVar contains an entry for this variant (Variation ID: 7155). Invitae Evidence Modeling of protein sequence and biophysical properties (such as structural, functional, and spatial information, amino acid conservation, physicochemical variation, residue mobility, and thermodynamic stability) indicates that this missense variant is not expected to disrupt CFTR protein function with a negative predictive value of 80%. Experimental studies have shown that this missense change affects CFTR function (PMID: 23891399, 23974870, 26864378, 30046002). For these reasons, this variant has been classified as Pathogenic.

Baylor Genetics
Classification: Pathogenic for Bronchiectasis with or without elevated sweat chloride 1. Last evaluated: 2024-01-05. Review status: criteria provided, single submitter. Criteria: ACMG Guidelines, 2015. Collection method: clinical testing. Allele origin: unknown. Not counted in ClinVar's aggregate classification.

Ambry Genetics
Classification: Pathogenic for Cystic fibrosis. Last evaluated: 2022-06-24. Review status: criteria provided, single submitter. Criteria: Ambry Variant Classification Scheme 2023. Collection method: clinical testing. Allele origin: germline. Not counted in ClinVar's aggregate classification.
Comment: The p.S492F pathogenic mutation (also known as c.1475C>T), located in coding exon 11 of the CFTR gene, results from a C to T substitution at nucleotide position 1475. The serine at codon 492 is replaced by phenylalanine, an amino acid with highly dissimilar properties. This mutation was first reported in a child diagnosed with pancreatic sufficient cystic fibrosis (CF), but the other mutation was not described (F&eacute;rec C et al. Nat. Genet., 1992 Jun;1:188-91). It was also reported in an individual with pancreatic insufficient CF who also carried a frameshift alteration (Alper OM et al. Hum. Mutat., 2004 Oct;24:353). An individual with this mutation in conjunction with p.F508del presented with elevated sweat chloride levels, congenital absence of the vas deferens (CBAVD), and pancreatic sufficiency (Sheridan MB et al. J. Med. Genet., 2011 Apr;48:235-41). This mutation resulted in abnormal protein expression and no chloride transport in vitro (Van Goor F et al. J. Cyst. Fibros., 2014 Jan;13:29-36). Based on the supporting evidence, this alteration is interpreted as a disease-causing mutation.

ARUP Laboratories, Molecular Genetics and Genomics, ARUP Laboratories
Classification: Pathogenic. Last evaluated: 2020-07-09. Review status: criteria provided, single submitter. Criteria: ARUP Molecular Germline Variant Investigation Process. Collection method: clinical testing. Allele origin: germline. Not counted in ClinVar's aggregate classification.
Comment: The CFTR c.1475C>T; p.Ser492Phe variant (rs121909017) is reported in the literature in multiple individuals diagnosed with cystic fibrosis (Ferec 1992, Wine 2001, Sheridan 2011), often associated with pancreatic sufficiency (Sosnay 2013, CFTR2 database). Functional analyses of the variant protein indicate a defect in CFTR processing, resulting in the absence of chloride transport activity (Sosnay 2013, Van Goor 2014). This variant is reported in ClinVar (Variation ID: 7155), and is only observed on two alleles in the Genome Aggregation Database, indicating it is not a common polymorphism. The serine at residue 492 is moderately conserved, and computational analyses (SIFT, PolyPhen-2) predict that this variant is deleterious. Based on the above information, the p.Ser492Phe variant is classified as pathogenic. References: CFTR2 database: Ferec C et al. Detection of over 98% cystic fibrosis mutations in a Celtic population. Nat Genet. 1992 1(3):188-91. Sheridan M et al. CFTR transcription defects in pancreatic sufficient cystic fibrosis patients with only one mutation in the coding region of CFTR. J Med Genet. 2011 48(4):235-41. Sosnay PR et al. Defining the disease liability of variants in the cystic fibrosis transmembrane conductance regulator gene. Nat Genet. 2013 45(10):1160-7. Van Goor F et al. Effect of ivacaftor on CFTR forms with missense mutations associated with defects in protein processing or function. J Cyst Fibros. 2014 13(1):29-36. Wine J et al. Comprehensive mutation screening in a cystic fibrosis center. Pediatrics. 2001 107(2):280-6.

Johns Hopkins Genomics, Johns Hopkins University
Classification: Pathogenic for Cystic fibrosis. Last evaluated: 2020-04-22. Review status: criteria provided, single submitter. Criteria: ACMG Guidelines, 2015. Collection method: clinical testing. Allele origin: germline. Not counted in ClinVar's aggregate classification.
Comment: Disease-causing CFTR variant. See CFTR2 for phenotype information.

Women's Health and Genetics/Laboratory Corporation of America, LabCorp
Classification: Pathogenic for Cystic fibrosis. Last evaluated: 2019-11-22. Review status: criteria provided, single submitter. Criteria: LabCorp Variant Classification Summary - May 2015. Collection method: clinical testing. Allele origin: germline. Not counted in ClinVar's aggregate classification.
Comment: Variant summary: CFTR c.1475C>T (p.Ser492Phe) results in a non-conservative amino acid change in the encoded protein sequence. Five of five in-silico tools predict a damaging effect of the variant on protein function. The variant allele was found at a frequency of 8e-06 in 251334 control chromosomes (gnomAD). c.1475C>T has been reported in the literature in multiple individuals affected with Cystic Fibrosis (Wine_2001, Alper_2004, McGinniss_2005, Sheridan_2011, Lakeman_2008, Scotet_2002). These data indicate that the variant is very likely to be associated with disease. Functional study, van Goor_2013, found the variant to significantly impede baseline chloride transport and mature CFTR protein production. Three ClinVar submissions (evaluation after 2014) cite the variant twice as pathogenic and once as likely pathogenic. Based on the evidence outlined above, the variant was classified as pathogenic.

Fulgent Genetics
Classification: Pathogenic for Hereditary pancreatitis; Bronchiectasis with or without elevated sweat chloride 1; Cystic fibrosis; Congenital bilateral aplasia of vas deferens from CFTR mutation. Last evaluated: 2018-10-31. Review status: criteria provided, single submitter. Criteria: ACMG Guidelines, 2015. Collection method: clinical testing. Allele origin: unknown. Not counted in ClinVar's aggregate classification.

CFTR-France
Classification: Pathogenic for cystic fibrosis. Last evaluated: 2018-01-29. Review status: criteria provided, single submitter. Criteria: Claustres M et al. (Hum Mutat 2017). Collection method: curation. Allele origin: germline. Affected: yes. Not counted in ClinVar's aggregate classification.

Baylor Genetics
Classification: Pathogenic for Congenital bilateral aplasia of vas deferens from CFTR mutation; Cystic fibrosis. Review status: criteria provided, single submitter. Criteria: ACMG Guidelines, 2015. Collection method: clinical testing. Allele origin: germline. Not counted in ClinVar's aggregate classification.

PreventionGenetics, part of Exact Sciences
Classification: Pathogenic for CFTR-related condition. Last evaluated: 2024-08-24. Review status: no assertion criteria provided. Collection method: clinical testing. Allele origin: germline. Not counted in ClinVar's aggregate classification.
Comment: The CFTR c.1475C>T variant is predicted to result in the amino acid substitution p.Ser492Phe. This variant has been repeatedly reported to be causative for cystic fibrosis (see for example Férec et al. 1992. PubMed ID: 1284639; Sosnay. 2013. PubMed ID: 23974870). Functional studies show that the p.Ser492Phe substitution impacts normal protein function (Van Goor et al. 2014. PubMed ID: 23891399). This variant is reported in 0.0029% of alleles in individuals of Latino descent in gnomAD. This variant is interpreted as pathogenic.

Counsyl
Classification: Likely pathogenic for Cystic fibrosis. Last evaluated: 2016-03-10. Review status: no assertion criteria provided. Collection method: clinical testing. Allele origin: unknown. Not counted in ClinVar's aggregate classification.

OMIM
Classification: Pathogenic for CYSTIC FIBROSIS. Last evaluated: 1992-06-01. Review status: no assertion criteria provided. Collection method: literature only. Allele origin: germline. Not counted in ClinVar's aggregate classification.

Literature cited by the submitters: PubMed 36437230 (cited by Natera, Inc.); PubMed 21097845 (cited by 4 submitters); PubMed 27086061 (cited by Natera, Inc. and Labcorp Genetics (formerly Invitae), Labcorp); PubMed 16189704 (cited by 3 submitters); PubMed 15365999 (cited by 3 submitters); PubMed 23891399 (cited by 4 submitters); PubMed 23974870 (cited by Labcorp Genetics (formerly Invitae), Labcorp and Counsyl); PubMed 26864378 (cited by Labcorp Genetics (formerly Invitae), Labcorp and Counsyl); PubMed 30046002 (cited by Labcorp Genetics (formerly Invitae), Labcorp); PubMed 1284639 (cited by Ambry Genetics and OMIM); PubMed 18373402 (cited by Women's Health and Genetics/Laboratory Corporation of America, LabCorp); PubMed 11158459 (cited by Women's Health and Genetics/Laboratory Corporation of America, LabCorp); PubMed 12215837 (cited by Women's Health and Genetics/Laboratory Corporation of America, LabCorp).